The following is an entry in ClinVar:

ClinVar aggregate classification (germline): Benign (1 of 4 stars; one submission).

Conditions:
Papillary renal cell carcinoma type 1 (RCCP1). Also called: Renal adenocarcinoma; Renal cell carcinoma 1; Renal cell carcinoma, somatic; RENAL CELL CARCINOMA, PAPILLARY, 1, SOMATIC. Identifiers: Orphanet 47044, MedGen C1336839, OMIM 605074, HP:0011797.

gnomAD v4.1: 1 of 1,613,992 alleles (0.000062%); highest among the groups gnomAD compares: Non-Finnish European, 0.000085%; no homozygotes.

Submission:

Myriad Genetics, Inc.
Classification: Benign for Papillary renal cell carcinoma type 1. Last evaluated: 2024-11-11. Review status: criteria provided, single submitter. Criteria: Myriad Autosomal Dominant, Autosomal Recessive and X-Linked Classification Criteria (2023). Collection method: clinical testing. Allele origin: unknown.
Comment: This variant is considered benign. This variant is a silent/synonymous amino acid change and it is not expected to impact splicing.

NM_000245.4(MET):c.2499C>G (p.Leu833=)

Gene: MET (MET proto-oncogene, receptor tyrosine kinase; plus strand). Cytogenetic location: 7q31.2.
Variant type: single nucleotide variant.
Coding change: c.2499C>G on transcript NM_000245.4 (MANE Select); coding-DNA position 2499, C replaced by G.
Protein change: p.Leu833=; no amino-acid change (leucine 833 retained).
Molecular consequence: synonymous variant.
Genome position (GRCh38, 1-based): chr7:116,763,184, C>G. VCF-style: chr7-116763184-C-G. GRCh37 (hg19) VCF-style: chr7-116403238-C-G.
Other names: c.1209C>G, p.Leu403= (NM_001324402.2); c.2553C>G, p.Leu851= (NM_001127500.3); c.2499C>G, p.Leu833= (NM_001324401.3).
Identifiers: ClinVar variation 3773058 (VCV003773058.1).